The following is an entry in ClinVar:

ClinVar aggregate classification (germline): Uncertain significance. Review status: criteria provided, multiple submitters, no conflicts (2 of 4 stars). 2 submissions from 2 submitters: Uncertain significance (2). Last evaluated 2024-11-16.

Conditions:
Inborn genetic diseases. Identifiers: MedGen C0950123, MeSH D030342.

Allele frequency attached by ClinVar (database versions not stated): ExAC 0.00004; TOPMed 0.00004; gnomAD 0.00005; gnomAD exomes 0.00003.
gnomAD v4.1: 50 of 1,613,674 alleles (0.0031%); highest among the groups gnomAD compares: South Asian, 0.029%; no homozygotes.

Submissions (2):

Labcorp Genetics (formerly Invitae), Labcorp
Classification: Uncertain significance. Last evaluated: 2024-11-16. Review status: criteria provided, single submitter. Criteria: Invitae Variant Classification Sherloc (09022015). Collection method: clinical testing. Allele origin: germline.
Comment: This sequence change replaces arginine, which is basic and polar, with glutamine, which is neutral and polar, at codon 1737 of the SPTBN2 protein (p.Arg1737Gln). This variant is present in population databases (rs772686315, gnomAD 0.02%). This variant has not been reported in the literature in individuals affected with SPTBN2-related conditions. ClinVar contains an entry for this variant (Variation ID: 2483325). Invitae Evidence Modeling of protein sequence and biophysical properties (such as structural, functional, and spatial information, amino acid conservation, physicochemical variation, residue mobility, and thermodynamic stability) indicates that this missense variant is not expected to disrupt SPTBN2 protein function with a negative predictive value of 80%. In summary, the available evidence is currently insufficient to determine the role of this variant in disease. Therefore, it has been classified as a Variant of Uncertain Significance.

Ambry Genetics
Classification: Uncertain significance for Inborn genetic diseases. Last evaluated: 2023-02-14. Review status: criteria provided, single submitter. Criteria: Ambry Variant Classification Scheme 2023. Collection method: clinical testing. Allele origin: germline.

NM_006946.4(SPTBN2):c.5210G>A (p.Arg1737Gln)

Gene: SPTBN2 (spectrin beta, non-erythrocytic 2; minus strand). Cytogenetic location: 11q13.2.
Variant type: single nucleotide variant.
Coding change: c.5210G>A on transcript NM_006946.4 (MANE Select); coding-DNA position 5210, G replaced by A.
Protein change: p.Arg1737Gln; replaces arginine 1737 with glutamine.
Molecular consequence: missense variant.
Genome position (GRCh38, 1-based): chr11:66,691,639, C>T on the plus strand (G>A on the coding strand, the complement: SPTBN2 is on the minus strand). VCF-style: chr11-66691639-C-T. GRCh37 (hg19) VCF-style: chr11-66459110-C-T.
Other names: c.5231G>A, p.Arg1744Gln (NM_001411025.1); short protein forms R1737Q, R1744Q.
Identifiers: ClinVar variation 2483325 (VCV002483325.5), dbSNP rs772686315, ClinGen allele CA6128324.
Genomic context (GRCh38, chr11:66,691,639, plus strand): 5'-AGCGCATTGGCGCTATCTACGCGCTCCTGACCGATGGTGCTTGTGTCCCGGGAGAACTCT[C>T]GGAATTTGTCTCGGAGCATCTGGTAGAGGAAGCAGATGGACAGACCATGCCGTGATGTTA-3'
Protein context (NP_008877.2, residues 1727-1747): EHVTMLRDKF[Arg1737Gln]EFSRDTSTIG